The following is an entry in ClinVar:

ClinVar aggregate classification (germline): Uncertain significance (1 of 4 stars; one submission).

Allele frequency attached by ClinVar (database versions not stated): gnomAD exomes below 0.00001.

Submission:

Labcorp Genetics (formerly Invitae), Labcorp
Classification: Uncertain significance. Last evaluated: 2020-01-30. Review status: criteria provided, single submitter. Criteria: Invitae Variant Classification Sherloc (09022015). Collection method: clinical testing. Allele origin: germline.
Comment: In summary, the available evidence is currently insufficient to determine the role of this variant in disease. Therefore, it has been classified as a Variant of Uncertain Significance. Algorithms developed to predict the effect of missense changes on protein structure and function (SIFT, PolyPhen-2, Align-GVGD) all suggest that this variant is likely to be tolerated, but these predictions have not been confirmed by published functional studies and their clinical significance is uncertain. This variant has not been reported in the literature in individuals with RGS9BP-related conditions. This variant is not present in population databases (ExAC no frequency). This sequence change replaces arginine with glycine at codon 209 of the RGS9BP protein (p.Arg209Gly). The arginine residue is weakly conserved and there is a moderate physicochemical difference between arginine and glycine.

NM_207391.3(RGS9BP):c.625A>G (p.Arg209Gly)

Gene: RGS9BP (regulator of G protein signaling 9 binding protein; plus strand). Cytogenetic location: 19q13.11.
Variant type: single nucleotide variant.
Coding change: c.625A>G on transcript NM_207391.3 (MANE Select); coding-DNA position 625, A replaced by G.
Protein change: p.Arg209Gly; replaces arginine 209 with glycine.
Molecular consequence: missense variant.
Genome position (GRCh38, 1-based): chr19:32,676,888, A>G. VCF-style: chr19-32676888-A-G. GRCh37 (hg19) VCF-style: chr19-33167794-A-G.
Other names: short protein forms R209G.
Identifiers: ClinVar variation 1017577 (VCV001017577.9), dbSNP rs1968017293, ClinGen allele CA405187453.